The following is an entry in ClinVar:

NM_173076.3(ABCA12):c.597G>C (p.Trp199Cys)

Gene: ABCA12 (ATP binding cassette subfamily A member 12; minus strand). Cytogenetic location: 2q35.
Variant type: single nucleotide variant.
Coding change: c.597G>C on transcript NM_173076.3 (MANE Select); coding-DNA position 597, G replaced by C.
Protein change: p.Trp199Cys; replaces tryptophan 199 with cysteine.
Molecular consequence: missense variant. On other transcripts: non-coding transcript variant (1).
Genome position (GRCh38, 1-based): chr2:215,049,722, C>G on the plus strand (G>C on the coding strand, the complement: ABCA12 is on the minus strand). VCF-style: chr2-215049722-C-G. GRCh37 (hg19) VCF-style: chr2-215914446-C-G.
Other names: short protein forms W199C.
Identifiers: ClinVar variation 334277 (VCV000334277.13), dbSNP rs16853238, ClinGen allele CA2092489.

ClinVar aggregate classification (germline): Benign. Review status: criteria provided, multiple submitters, no conflicts (2 of 4 stars). 3 submissions from 3 submitters: Benign (3). Last evaluated 2026-02-04.

Conditions:
Congenital ichthyosis of skin. Identifiers: MedGen C0020758.

Allele frequency attached by ClinVar (database versions not stated): gnomAD exomes 0.00565 and 0.01544; ExAC 0.01958; gnomAD 0.05987 and 0.06414; TOPMed 0.06877; ESP Exome Variant Server 0.06881; 1000 Genomes Project 0.07029; 1000 Genomes Project 30x 0.07620.
gnomAD v4.1: 17,764 of 1,613,526 alleles (1.1%); highest among the groups gnomAD compares: African/African-American, 21%; 1,650 homozygotes.

Submissions (3):

Labcorp Genetics (formerly Invitae), Labcorp
Classification: Benign. Last evaluated: 2026-02-04. Review status: criteria provided, single submitter. Criteria: Invitae Variant Classification Sherloc (09022015). Collection method: clinical testing. Allele origin: germline.

Illumina Laboratory Services, Illumina
Classification: Benign for Congenital ichthyosis of skin. Last evaluated: 2018-01-12. Review status: criteria provided, single submitter. Criteria: ICSL Variant Classification Criteria 13 December 2019. Collection method: clinical testing. Allele origin: germline.
Comment: This variant was observed in the ICSL laboratory as part of a predisposition screen in an ostensibly healthy population. It had not been previously curated by ICSL or reported in the Human Gene Mutation Database (HGMD: prior to June 1st, 2018), and was therefore a candidate for classification through an automated scoring system. Utilizing variant allele frequency, disease prevalence and penetrance estimates, and inheritance mode, an automated score was calculated to assess if this variant is too frequent to cause the disease. Based on the score and internal cut-off values, a variant classified as benign is not then subjected to further curation. The score for this variant resulted in a classification of benign for this disease.

Breakthrough Genomics
Classification: Benign. Review status: criteria provided, single submitter. Criteria: ACMG Guidelines, 2015. Collection method: not provided. Allele origin: germline. Inheritance: Autosomal recessive inheritance. Affected: yes.